The following is an entry in ClinVar:

ClinVar aggregate classification (germline): Uncertain significance (1 of 4 stars; one submission).

Conditions:
Dyskeratosis congenita, autosomal recessive 6 (DKCB6). Identifiers: MedGen C4225356, MONDO:0014600, OMIM 616353.
Pulmonary fibrosis and/or bone marrow failure, Telomere-related, 4. Also called: PULMONARY FIBROSIS AND/OR BONE MARROW FAILURE SYNDROME, TELOMERE-RELATED, 4. Identifiers: Orphanet 2032, MedGen C4225347, MONDO:0014612, OMIM 616371.

Submission:

Labcorp Genetics (formerly Invitae), Labcorp
Classification: Uncertain significance for Dyskeratosis congenita, autosomal recessive 6; Pulmonary fibrosis and/or bone marrow failure, Telomere-related, 4. Last evaluated: 2022-04-24. Review status: criteria provided, single submitter. Criteria: Invitae Variant Classification Sherloc (09022015). Collection method: clinical testing. Allele origin: germline.
Comment: In summary, the available evidence is currently insufficient to determine the role of this variant in disease. Therefore, it has been classified as a Variant of Uncertain Significance. Algorithms developed to predict the effect of missense changes on protein structure and function (SIFT, PolyPhen-2, Align-GVGD) all suggest that this variant is likely to be tolerated. This variant has not been reported in the literature in individuals affected with PARN-related conditions. This variant is not present in population databases (gnomAD no frequency). This sequence change replaces valine, which is neutral and non-polar, with isoleucine, which is neutral and non-polar, at codon 495 of the PARN protein (p.Val495Ile).

NM_002582.4(PARN):c.1483G>A (p.Val495Ile)

Gene: PARN (poly(A)-specific ribonuclease; minus strand). Cytogenetic location: 16p13.12.
Variant type: single nucleotide variant.
Coding change: c.1483G>A on transcript NM_002582.4 (MANE Select); coding-DNA position 1483, G replaced by A.
Protein change: p.Val495Ile; replaces valine 495 with isoleucine.
Molecular consequence: missense variant.
Genome position (GRCh38, 1-based): chr16:14,482,825, C>T on the plus strand (G>A on the coding strand, the complement: PARN is on the minus strand). VCF-style: chr16-14482825-C-T. GRCh37 (hg19) VCF-style: chr16-14576682-C-T.
Other names: c.1300G>A, p.Val434Ile (NM_001134477.3); c.1345G>A, p.Val449Ile (NM_001242992.2); short protein forms V449I, V495I, V434I.
Identifiers: ClinVar variation 2129997 (VCV002129997.4), dbSNP rs2506917635, ClinGen allele CA395183729.
Genomic context (GRCh38, chr16:14,482,825, plus strand): 5'-TCCCCATATATTCAGCATAGGTTTGGATCCGATAGCTTTCTGCATATTTGCTGGTATTGA[C>T]AGCTACAAGGAAAAGAAAAAAAAATAAAATGCTTACAAAAGTCTGGCCTAGCCCCAAAGA-3'
Protein context (NP_002573.1, residues 485-505): LSQPEQVKIA[Val495Ile]NTSKYAESYR